The following is an entry in ClinVar:

NM_002941.4(ROBO1):c.1198C>T (p.Gln400Ter)

Gene: ROBO1 (roundabout guidance receptor 1; minus strand). Cytogenetic location: 3p12.3.
Variant type: single nucleotide variant.
Coding change: c.1198C>T on transcript NM_002941.4 (MANE Select); coding-DNA position 1198, C replaced by T.
Protein change: p.Gln400Ter; replaces glutamine 400 with a stop codon.
Molecular consequence: nonsense.
Genome position (GRCh38, 1-based): chr3:78,685,890, G>A on the plus strand (C>T on the coding strand, the complement: ROBO1 is on the minus strand). VCF-style: chr3-78685890-G-A. GRCh37 (hg19) VCF-style: chr3-78735040-G-A.
Other names: c.1090C>T, p.Gln364Ter (NM_001145845.2, NM_133631.4); short protein forms Q364*, Q400*.
Identifiers: ClinVar variation 996027 (VCV000996027.2), dbSNP rs2081039925, ClinGen allele CA353652405.
Genomic context (GRCh38, chr3:78,685,890, plus strand): 5'-GCTGGACATTAGTAATTGTGAGGTCGCCAGTCTGGGAGACTGAAAATCGGCTGGATGACT[G>A]TGGTGGTTGATATGAGAAAAGTAGATTCTAGAACCCAGAAATTGGGATGGAGGAAAATAA-3'

ClinVar aggregate classification (germline): Pathogenic/Likely pathogenic. Review status: criteria provided, multiple submitters, no conflicts (2 of 4 stars). 2 submissions from 2 submitters: Pathogenic (1); Likely pathogenic (1). Last evaluated 2025-02-19.

Conditions:
Congenital anomaly of kidney and urinary tract. Also called: Congenital anomalies of the kidney and urinary tract; Congenital anomalies of kidney and urinary tract. Identifiers: Orphanet 93545, MedGen C1968949, MeSH C566906, MONDO:0019719.

Allele frequency attached by ClinVar (database versions not stated): gnomAD exomes below 0.00001.

Submissions (2):

Labcorp Genetics (formerly Invitae), Labcorp
Classification: Pathogenic. Last evaluated: 2025-02-19. Review status: criteria provided, single submitter. Criteria: Invitae Variant Classification Sherloc (09022015). Collection method: clinical testing. Allele origin: germline.
Comment: This sequence change creates a premature translational stop signal (p.Gln400*) in the ROBO1 gene. It is expected to result in an absent or disrupted protein product. Loss-of-function variants in ROBO1 are known to be pathogenic (PMID: 29194579, 35227688). This variant is not present in population databases (gnomAD no frequency). This premature translational stop signal has been observed in individual(s) with congenital anomalies of the kidney and urinary tract (PMID: 35227688). ClinVar contains an entry for this variant (Variation ID: 996027). For these reasons, this variant has been classified as Pathogenic.

Institute of Human Genetics, University of Leipzig Medical Center
Classification: Likely pathogenic for Congenital anomaly of kidney and urinary tract. Last evaluated: 2021-01-09. Review status: criteria provided, single submitter. Criteria: ACMG Guidelines, 2015. Collection method: clinical testing. Allele origin: germline. Inheritance: Autosomal recessive inheritance. Affected: yes.

Literature cited by the submitters: PubMed 29194579 (cited by Labcorp Genetics (formerly Invitae), Labcorp); PubMed 35227688 (cited by Labcorp Genetics (formerly Invitae), Labcorp).